The following is an entry in ClinVar:

ClinVar aggregate classification (germline): Benign. Review status: criteria provided, multiple submitters, no conflicts (2 of 4 stars). 2 submissions from 2 submitters: Benign (2). Last evaluated 2018-06-14.

Allele frequency attached by ClinVar (database versions not stated): gnomAD exomes 0.18356; gnomAD 0.27323 and 0.28115; TOPMed 0.27488; 1000 Genomes Project 0.27975; 1000 Genomes Project 30x 0.28935.
gnomAD v4.1: 170,990 of 855,576 alleles (20%); highest among the groups gnomAD compares: African/African-American, 49%; 20,818 homozygotes.

Submissions (2):

GeneDx
Classification: Benign. Last evaluated: 2018-06-14. Review status: criteria provided, single submitter. Criteria: GeneDx Variant Classification (06012015). Collection method: clinical testing. Allele origin: germline. Affected: yes.
Comment: This variant is considered likely benign or benign based on one or more of the following criteria: it is a conservative change, it occurs at a poorly conserved position in the protein, it is predicted to be benign by multiple in silico algorithms, and/or has population frequency not consistent with disease.

Breakthrough Genomics
Classification: Benign. Review status: criteria provided, single submitter. Criteria: ACMG Guidelines, 2015. Collection method: not provided. Allele origin: germline. Inheritance: Autosomal recessive inheritance. Affected: yes.

NM_006129.5(BMP1):c.1180+116A>G

Gene: BMP1 (bone morphogenetic protein 1; plus strand). Cytogenetic location: 8p21.3.
Variant type: single nucleotide variant.
Coding change: c.1180+116A>G on transcript NM_006129.5 (MANE Select); 116 bases into the intron after coding-DNA position 1180, A replaced by G.
Molecular consequence: intron variant.
Genome position (GRCh38, 1-based): chr8:22,192,267, A>G. VCF-style: chr8-22192267-A-G. GRCh37 (hg19) VCF-style: chr8-22049780-A-G.
Other names: c.1180+116A>G (NM_001199.4).
Identifiers: ClinVar variation 675112 (VCV000675112.2), dbSNP rs3924231, ClinGen allele CA12832941.